The following is an entry in ClinVar:

NM_001244008.2(KIF1A):c.587T>C (p.Met196Thr)

Gene: KIF1A (kinesin family member 1A; minus strand). Cytogenetic location: 2q37.3.
Variant type: single nucleotide variant.
Coding change: c.587T>C on transcript NM_001244008.2 (MANE Select); coding-DNA position 587, T replaced by C.
Protein change: p.Met196Thr; replaces methionine 196 with threonine.
Molecular consequence: missense variant.
Genome position (GRCh38, 1-based): chr2:240,786,356, A>G on the plus strand (T>C on the coding strand, the complement: KIF1A is on the minus strand). VCF-style: chr2-240786356-A-G. GRCh37 (hg19) VCF-style: chr2-241725773-A-G.
Other names: c.587T>C, p.Met196Thr (NM_001320705.2, NM_001330289.2, NM_001330290.2 and 21 more transcripts); short protein forms M196T.
Identifiers: ClinVar variation 2061368 (VCV002061368.4), dbSNP rs2538350980, ClinGen allele CA351305568.

ClinVar aggregate classification (germline): Uncertain significance (1 of 4 stars; one submission).

Conditions:
Hereditary spastic paraplegia 30. Identifiers: Orphanet 101010, MedGen C5235139, MONDO:0012476.
Neuropathy, hereditary sensory, type 2C. Also called: Hereditary sensory and autonomic neuropathy type IIC; KIF1A-Related HSAN2 (HSAN2C). Identifiers: Orphanet 970, MedGen C3280168, MONDO:0013634, OMIM 614213.
Intellectual disability, autosomal dominant 9 (NESCAVS). Also called: NESCAV SYNDROME; KIF1A-Related Neurodevelopmental Disorder. Identifiers: Orphanet 662367, MedGen C5393830, MONDO:0013656, OMIM 614255.

Allele frequency attached by ClinVar (database versions not stated): gnomAD exomes below 0.00001.

Submission:

Labcorp Genetics (formerly Invitae), Labcorp
Classification: Uncertain significance for Hereditary spastic paraplegia 30; Neuropathy, hereditary sensory, type 2C; Intellectual disability, autosomal dominant 9. Last evaluated: 2022-09-10. Review status: criteria provided, single submitter. Criteria: Invitae Variant Classification Sherloc (09022015). Collection method: clinical testing. Allele origin: germline.
Comment: This sequence change replaces methionine, which is neutral and non-polar, with threonine, which is neutral and polar, at codon 196 of the KIF1A protein (p.Met196Thr). This variant is not present in population databases (gnomAD no frequency). This variant has not been reported in the literature in individuals affected with KIF1A-related conditions. Advanced modeling of protein sequence and biophysical properties (such as structural, functional, and spatial information, amino acid conservation, physicochemical variation, residue mobility, and thermodynamic stability) performed at Invitae indicates that this missense variant is expected to disrupt KIF1A protein function. In summary, the available evidence is currently insufficient to determine the role of this variant in disease. Therefore, it has been classified as a Variant of Uncertain Significance.